The following is an entry in ClinVar:

ClinVar aggregate classification (germline): Uncertain significance (1 of 4 stars; one submission).

Conditions:
Cardiovascular phenotype. Identifiers: MedGen CN230736.

Submission:

Ambry Genetics
Classification: Uncertain significance for Cardiovascular phenotype. Last evaluated: 2024-11-18. Review status: criteria provided, single submitter. Criteria: Ambry Variant Classification Scheme 2023. Collection method: clinical testing. Allele origin: germline.
Comment: The p.M48I variant (also known as c.144G>C), located in coding exon 1 of the FKBP14 gene, results from a G to C substitution at nucleotide position 144. The methionine at codon 48 is replaced by isoleucine, an amino acid with highly similar properties. This amino acid position is conserved. In addition, this alteration is predicted to be tolerated by in silico analysis. Based on the available evidence, the clinical significance of this variant remains unclear.

NM_017946.4(FKBP14):c.144G>C (p.Met48Ile)

Genes: FKBP14 (FKBP prolyl isomerase 14; minus strand), FKBP14-AS1 (FKBP14 antisense RNA 1; plus strand). Cytogenetic location: 7p14.3.
Variant type: single nucleotide variant.
Coding change: c.144G>C on transcript NM_017946.4 (MANE Select); coding-DNA position 144, G replaced by C.
Protein change: p.Met48Ile; replaces methionine 48 with isoleucine.
Molecular consequence: missense variant. On other transcripts: non-coding transcript variant (3).
Genome position (GRCh38, 1-based): chr7:30,026,365, C>G on the plus strand (G>C on the coding strand, the complement: FKBP14 is on the minus strand). VCF-style: chr7-30026365-C-G. GRCh37 (hg19) VCF-style: chr7-30065981-C-G.
Other names: short protein forms M48I.
Identifiers: ClinVar variation 3515487 (VCV003515487.1).